The following is an entry in ClinVar:

ClinVar aggregate classification (germline): Uncertain significance. Review status: criteria provided, multiple submitters, no conflicts (2 of 4 stars). 4 submissions from 4 submitters: Uncertain significance (4). Last evaluated 2025-12-29.

Conditions:
Inborn genetic diseases. Identifiers: MedGen C0950123, MeSH D030342.
VCAN-related disorder. Also called: VCAN-related condition.

Allele frequency attached by ClinVar (database versions not stated): ExAC 0.00001; gnomAD exomes 0.00002 and 0.00003; gnomAD 0.00007 and 0.00009; 1000 Genomes Project 30x 0.00016; TOPMed 0.00017; 1000 Genomes Project 0.00020.
gnomAD v4.1: 25 of 1,613,964 alleles (0.0015%); highest among the groups gnomAD compares: Admixed American, 0.032%; no homozygotes.

Submissions (4):

Labcorp Genetics (formerly Invitae), Labcorp
Classification: Uncertain significance. Last evaluated: 2025-12-29. Review status: criteria provided, single submitter. Criteria: Invitae Variant Classification Sherloc (09022015). Collection method: clinical testing. Allele origin: germline.
Comment: This sequence change replaces serine, which is neutral and polar, with proline, which is neutral and non-polar, at codon 895 of the VCAN protein (p.Ser895Pro). This variant is present in population databases (rs199985410, gnomAD 0.02%). This variant has not been reported in the literature in individuals affected with VCAN-related conditions. ClinVar contains an entry for this variant (Variation ID: 857629). An algorithm developed to predict the effect of missense changes on protein structure and function outputs the following: PolyPhen-2: "Benign". The proline amino acid residue is found in multiple mammalian species, which suggests that this missense change does not adversely affect protein function. In summary, the available evidence is currently insufficient to determine the role of this variant in disease. Therefore, it has been classified as a Variant of Uncertain Significance.

PreventionGenetics, part of Exact Sciences
Classification: Uncertain significance for VCAN-related condition. Last evaluated: 2025-12-24. Review status: criteria provided, single submitter. Criteria: ACMG Guidelines, 2015. Collection method: clinical testing. Allele origin: germline.
Comment: The VCAN c.2683T>C variant is predicted to result in the amino acid substitution p.Ser895Pro. To our knowledge, this variant has not been reported in the literature. This variant is reported in 0.014% of alleles in individuals of Latino descent in gnomAD. Although we suspect that this variant may be benign, at this time, the clinical significance of this variant is uncertain due to the absence of conclusive functional and genetic evidence.

Ambry Genetics
Classification: Uncertain significance for Inborn genetic diseases. Last evaluated: 2024-02-13. Review status: criteria provided, single submitter. Criteria: Ambry Variant Classification Scheme 2023. Collection method: clinical testing. Allele origin: germline.

Blueprint Genetics
Classification: Uncertain significance. Last evaluated: 2022-02-19. Review status: criteria provided, single submitter. Criteria: ACMG Guidelines, 2015. Collection method: clinical testing. Allele origin: germline.

NM_004385.5(VCAN):c.2683T>C (p.Ser895Pro)

Gene: VCAN (versican; plus strand). Cytogenetic location: 5q14.3.
Variant type: single nucleotide variant.
Coding change: c.2683T>C on transcript NM_004385.5 (MANE Select); coding-DNA position 2683, T replaced by C.
Protein change: p.Ser895Pro; replaces serine 895 with proline.
Molecular consequence: missense variant. On other transcripts: intron variant (2).
Genome position (GRCh38, 1-based): chr5:83,520,989, T>C. VCF-style: chr5-83520989-T-C. GRCh37 (hg19) VCF-style: chr5-82816808-T-C.
Other names: c.2683T>C, p.Ser895Pro (NM_001164098.2); c.1042+8593T>C (NM_001164097.2, NM_001126336.3); short protein forms S895P.
Identifiers: ClinVar variation 857629 (VCV000857629.11), dbSNP rs199985410, ClinGen allele CA3332879.